The following is an entry in ClinVar:

ClinVar aggregate classification (germline): Uncertain significance. Review status: criteria provided, multiple submitters, no conflicts (2 of 4 stars). 2 submissions from 2 submitters: Uncertain significance (2). Last evaluated 2026-01-05.

Conditions:
Hereditary cancer-predisposing syndrome. Also called: Neoplastic Syndromes, Hereditary; Tumor predisposition; Hereditary Cancer Syndrome; Hereditary neoplastic syndrome. Identifiers: Orphanet 140162, MedGen C0027672, MeSH D009386, MONDO:0015356.
Neuroblastoma, susceptibility to, 3. Also called: ALK-Related Neuroblastic Tumor Susceptibility. Identifiers: Orphanet 635, MedGen C2751681, MONDO:0013083, OMIM 613014.

Submissions (2):

Labcorp Genetics (formerly Invitae), Labcorp
Classification: Uncertain significance for Neuroblastoma, susceptibility to, 3. Last evaluated: 2026-01-05. Review status: criteria provided, single submitter. Criteria: Invitae Variant Classification Sherloc (09022015). Collection method: clinical testing. Allele origin: germline.
Comment: This sequence change replaces phenylalanine, which is neutral and non-polar, with leucine, which is neutral and non-polar, at codon 1052 of the ALK protein (p.Phe1052Leu). This variant is not present in population databases (gnomAD no frequency). This variant has not been reported in the literature in individuals affected with ALK-related conditions. ClinVar contains an entry for this variant (Variation ID: 1728226). An algorithm developed to predict the effect of missense changes on protein structure and function (PolyPhen-2) suggests that this variant is likely to be tolerated. In summary, the available evidence is currently insufficient to determine the role of this variant in disease. Therefore, it has been classified as a Variant of Uncertain Significance.

Ambry Genetics
Classification: Uncertain significance for Hereditary cancer-predisposing syndrome. Last evaluated: 2025-01-25. Review status: criteria provided, single submitter. Criteria: Ambry Variant Classification Scheme 2023. Collection method: clinical testing. Allele origin: germline.
Comment: The p.F1052L variant (also known as c.3154T>C), located in coding exon 19 of the ALK gene, results from a T to C substitution at nucleotide position 3154. The phenylalanine at codon 1052 is replaced by leucine, an amino acid with highly similar properties. This amino acid position is well conserved in available vertebrate species. In addition, the in silico prediction for this alteration is inconclusive. Based on the available evidence, the clinical significance of this variant remains unclear.

NM_004304.5(ALK):c.3154T>C (p.Phe1052Leu)

Gene: ALK (ALK receptor tyrosine kinase; minus strand). Cytogenetic location: 2p23.2.
Variant type: single nucleotide variant.
Coding change: c.3154T>C on transcript NM_004304.5 (MANE Select); coding-DNA position 3154, T replaced by C.
Protein change: p.Phe1052Leu; replaces phenylalanine 1052 with leucine.
Molecular consequence: missense variant.
Genome position (GRCh38, 1-based): chr2:29,225,479, A>G on the plus strand (T>C on the coding strand, the complement: ALK is on the minus strand). VCF-style: chr2-29225479-A-G. GRCh37 (hg19) VCF-style: chr2-29448345-A-G.
Other names: short protein forms F1052L.
Identifiers: ClinVar variation 1728226 (VCV001728226.4), dbSNP rs1663940813, ClinGen allele CA346466786.